The following is an entry in ClinVar:

NM_007294.4(BRCA1):c.2669G>T (p.Gly890Val)

Gene: BRCA1 (BRCA1 DNA repair associated; minus strand). Cytogenetic location: 17q21.31.
Variant type: single nucleotide variant.
Coding change: c.2669G>T on transcript NM_007294.4 (MANE Select); coding-DNA position 2669, G replaced by T.
Protein change: p.Gly890Val; replaces glycine 890 with valine.
Molecular consequence: missense variant. On other transcripts: intron variant (137).
Genome position (GRCh38, 1-based): chr17:43,092,862, C>A on the plus strand (G>T on the coding strand, the complement: BRCA1 is on the minus strand). VCF-style: chr17-43092862-C-A. GRCh37 (hg19) VCF-style: chr17-41244879-C-A.
Other names: p.G890V:GGG>GTG; NP_009225.1:p.Gly890Val; 2788G>T; c.2456G>T, p.Gly819Val (NM_001407571.1, NM_001407853.1, NM_001407894.1 and 9 more transcripts); c.2669G>T, p.Gly890Val (NM_001407581.1, NM_001407582.1, NM_001407583.1 and 30 more transcripts); c.2666G>T, p.Gly889Val (NM_001407587.1, NM_001407590.1, NM_001407591.1 and 22 more transcripts); c.2660G>T, p.Gly887Val (NM_001407646.1, NM_001407647.1); c.2546G>T, p.Gly849Val (NM_001407648.1, NM_001407664.1, NM_001407665.1 and 19 more transcripts); and 44 more; short protein forms G890V, G843V, G594V, G762V, G820V, G823V, G849V, G887V.
Identifiers: ClinVar variation 37479 (VCV000037479.59), dbSNP rs80356874, ClinGen allele CA001746.
Genomic context (GRCh38, chr17:43,092,862, plus strand): 5'-TGATTTTCTTCCTTTTGTTCACATTCAAAAGTGACTTTTGGACTTTGTTTCTTTAAGGAC[C>A]CAGAGTGGGCAGAGAATGTTGCACATTCCTCTTCTGCATTTCCTGGATTTGAAAACGGAG-3'
Protein context (NP_009225.1, residues 880-900): EECATFSAHS[Gly890Val]SLKKQSPKVT

ClinVar aggregate classification (germline): Benign. Review status: reviewed by expert panel (3 of 4 stars). 15 submissions from 15 submitters: Benign (1). 14 of the submissions do not count toward it. Last evaluated 2015-08-10.

Conditions:
Hereditary cancer-predisposing syndrome. Also called: Tumor predisposition; Neoplastic Syndromes, Hereditary; Hereditary Cancer Syndrome; Hereditary neoplastic syndrome. Identifiers: Orphanet 140162, MedGen C0027672, MeSH D009386, MONDO:0015356.
Hereditary breast ovarian cancer syndrome. Also called: Hereditary breast and ovarian cancer syndrome (HBOC); Hereditary breast and ovarian cancer syndrome; Hereditary breast and ovarian cancer; Hereditary breast and/or ovarian cancer syndrome; Breast and ovarian cancer; BRCA1- and BRCA2-Associated Hereditary Breast and Ovarian Cancer. Identifiers: Orphanet 145, MedGen C0677776, MeSH D061325, MONDO:0003582. Disease mechanism: loss of function.
Breast-ovarian cancer, familial, susceptibility to, 1 (BROVCA1). Also called: OVARIAN CANCER, SUSCEPTIBILITY TO; BRCA1 Hereditary Breast and Ovarian Cancer. Identifiers: Orphanet 145, MedGen C2676676, MONDO:0011450, OMIM 604370. Disease mechanism: loss of function.
Malignant tumor of breast. Also called: Malignant breast neoplasm; Cancer breast. Identifiers: MedGen C0006142, MONDO:0007254. Disease mechanism: loss of function.

Allele frequency attached by ClinVar (database versions not stated): ExAC 0.00002; gnomAD exomes 0.00002 and 0.00004; gnomAD 0.00003 and 0.00004; TOPMed 0.00006; ESP Exome Variant Server 0.00008.
gnomAD v4.1: 58 of 1,613,710 alleles (0.0036%); highest among the groups gnomAD compares: African/African-American, 0.0053%; no homozygotes.

Submissions (15):

Evidence-based Network for the Interpretation of Germline Mutant Alleles (ENIGMA)
Classification: Benign for Breast-ovarian cancer, familial 1. Last evaluated: 2015-08-10. Review status: reviewed by expert panel. Criteria: ENIGMA BRCA1/2 Classification Criteria (2015). Collection method: curation. Allele origin: germline.
Comment: IARC class based on posterior probability from multifactorial likelihood analysis, thresholds for class as per Plon et al. 2008 (PMID: 18951446). Class 1 based on posterior probability = 0.00000408

Labcorp Genetics (formerly Invitae), Labcorp
Classification: Likely benign for Hereditary breast ovarian cancer syndrome. Last evaluated: 2026-02-01. Review status: criteria provided, single submitter. Criteria: Invitae Variant Classification Sherloc (09022015). Collection method: clinical testing. Allele origin: germline. Not counted in ClinVar's aggregate classification.

Women's Health and Genetics/Laboratory Corporation of America, LabCorp
Classification: Likely benign. Last evaluated: 2025-09-25. Review status: criteria provided, single submitter. Criteria: LabCorp Variant Classification Summary - May 2015. Collection method: clinical testing. Allele origin: germline. Not counted in ClinVar's aggregate classification.
Comment: Variant summary: BRCA1 c.2669G>T (p.Gly890Val) results in a non-conservative amino acid change in the encoded protein sequence. Algorithms developed to predict the effect of missense changes on protein structure and function are either unavailable or do not agree on the potential impact of this missense change. The variant allele was found at a frequency of 2e-05 in 251020 control chromosomes. The available data on variant occurrences in the general population are insufficient to allow any conclusion about variant significance. c.2669G>T has been reported in affected individuals via publications with no co-segregation information to rule in or rule out causation. In particular, the variant has been reported (Schorge_2001) in one family to be present in an unaffected individual. No details about the nature or extent of family member testing (i.e., co-segregation) were provided. Authors called this variant as a polymorphism. In addition, multifactorial probability models, performing systematic assessments of variants of unknown significance in the BRCA genes, which included analysis of co-occurrence in trans with known deleterious mutations, personal and family history of cancer, tumor pathology and co-segregation with disease in pedigrees, predicted this variant to be neutral (Easton_2007 and Lindor_2012). The following publications have been ascertained in the context of this evaluation (PMID: 15235020, 33471991, 17924331, 29580235, 12531920, 16267036, 21990134, 22753008, 15385441, 15001988, 11606101, 25782689, 26094954, 16683254, 31209238, 30541756, 39096911, 34045478, 33881725). ClinVar contains an entry for this variant (Variation ID: 37479). Based on the evidence outlined above, the variant was classified as likely benign.

Sema4
Classification: Likely benign for Hereditary cancer-predisposing syndrome. Last evaluated: 2022-02-07. Review status: criteria provided, single submitter. Criteria: Sema4 Curation Guidelines. Collection method: curation. Allele origin: germline. Not counted in ClinVar's aggregate classification.

ARUP Laboratories, Molecular Genetics and Genomics, ARUP Laboratories
Classification: Likely benign. Last evaluated: 2022-01-25. Review status: criteria provided, single submitter. Criteria: ARUP Molecular Germline Variant Investigation Process 2021. Collection method: clinical testing. Allele origin: germline. Not counted in ClinVar's aggregate classification.

National Health Laboratory Service, Universitas Academic Hospital and University of the Free State
Classification: Benign for Hereditary breast ovarian cancer syndrome. Last evaluated: 2021-11-16. Review status: criteria provided, single submitter. Criteria: ACMG Guidelines, 2015. Collection method: clinical testing. Allele origin: germline. Affected: yes. Observed: 1 variant allele. Not counted in ClinVar's aggregate classification.

GeneDx
Classification: Likely benign. Last evaluated: 2021-03-31. Review status: criteria provided, single submitter. Criteria: GeneDx Variant Classification Process June 2021. Collection method: clinical testing. Allele origin: germline. Affected: yes. Not counted in ClinVar's aggregate classification.
Comment: This variant is associated with the following publications: (PMID: 22753008, 16267036, 11606101, 16683254, 21990134, 17924331, 12531920, 15235020)

Quest Diagnostics Nichols Institute San Juan Capistrano
Classification: Likely benign. Last evaluated: 2019-03-13. Review status: criteria provided, single submitter. Criteria: Quest Diagnostics criteria. Collection method: clinical testing. Allele origin: germline. Not counted in ClinVar's aggregate classification.

Ambry Genetics
Classification: Likely benign for Hereditary cancer-predisposing syndrome. Last evaluated: 2019-02-01. Review status: criteria provided, single submitter. Criteria: Ambry Variant Classification Scheme 2023. Collection method: clinical testing. Allele origin: germline. Not counted in ClinVar's aggregate classification.

Color Diagnostics, LLC DBA Color Health
Classification: Benign for Hereditary cancer-predisposing syndrome. Last evaluated: 2016-10-24. Review status: criteria provided, single submitter. Criteria: ACMG Guidelines, 2015. Collection method: clinical testing. Allele origin: germline. Not counted in ClinVar's aggregate classification.

Mayo Clinic Laboratories, Mayo Clinic
Classification: Likely benign. Last evaluated: 2017-09-12. Review status: no assertion criteria provided. Collection method: clinical testing. Allele origin: unknown. Not counted in ClinVar's aggregate classification.

Counsyl
Classification: Benign for Breast-ovarian cancer, familial, susceptibility to, 1. Last evaluated: 2016-04-14. Review status: no assertion criteria provided. Collection method: clinical testing. Allele origin: unknown. Not counted in ClinVar's aggregate classification.

Sharing Clinical Reports Project (SCRP)
Classification: Uncertain significance for Breast-ovarian cancer, familial 1. Last evaluated: 2008-11-03. Review status: no assertion criteria provided. Collection method: clinical testing. Allele origin: germline. Not counted in ClinVar's aggregate classification.

Breast Cancer Information Core (BIC) (BRCA1)
Classification: Uncertain significance for Breast-ovarian cancer, familial 1. Last evaluated: 2004-02-20. Review status: no assertion criteria provided. Collection method: clinical testing. Allele origin: germline. Affected: yes. Observed: 5 variant alleles. Not counted in ClinVar's aggregate classification.

Department of Pathology and Laboratory Medicine, Sinai Health System
Classification: Uncertain significance for Malignant tumor of breast. Review status: no assertion criteria provided. Collection method: clinical testing. Allele origin: unknown. Affected: yes. Study: The Canadian Open Genetics Repository (COGR). Not counted in ClinVar's aggregate classification.
Comment: The BRCA1 p.Gly890Val variant was identified in 2 of 9848 proband chromosomes (frequency: 0.0002) from individuals or families with hereditary breast and ovarian cancer (Schorge 2001, van der Hout 2006). The variant was identified in dbSNP (rs80356874) as â€šÃ„Ãºwith uncertain significance alleleâ€šÃ„Ã¹, ClinVar (classified as uncertain significance by Invitae, Sinai Health System, BIC and SCRP, likely benign by Ambry Genetics, GeneDx, ARUP and Mayo Clinic and benign by ENIGMA, Counsyl and Color) and LOVD 3.0 (observed 5x). The variant was not identified in UMD-LSDB. The variant was identified in control databases in 5 of 251,020 chromosomes at a frequency of 0.00002 (Genome Aggregation Database Feb 27, 2017). The variant was observed in the following populations: African in 2 of 16,254 chromosomes (freq: 0.0001), European in 3 of 113,454 chromosomes (freq: 0.00003), while the variant was not observed in the Latino, Ashkenazi Jewish, East Asian, Finnish, Other and South Asian populations. The p.Gly890Val residue is not conserved in mammals and four out of five computational analyses (PolyPhen-2, SIFT, AlignGVGD, BLOSUM, MutationTaster) do not suggest a high likelihood of impact to the protein; however, this information is not predictive enough to rule out pathogenicity. The variant occurs outside of the splicing consensus sequence and 2 of 4 in silico or computational prediction software programs (SpliceSiteFinder, MaxEntScan, NNSPLICE, GeneSplicer) predict a greater than 10% difference in splicing; this is not very predictive of pathogenicity. In summary, based on the above information the clinical significance of this variant cannot be determined with certainty at this time. This variant is classified as a variant of uncertain significance.

Literature cited by the submitters: PubMed 21990134 (cited by 5 submitters); PubMed 16267036 (cited by Women's Health and Genetics/Laboratory Corporation of America, LabCorp and Quest Diagnostics Nichols Institute San Juan Capistrano); PubMed 15385441 (cited by Women's Health and Genetics/Laboratory Corporation of America, LabCorp); PubMed 15235020 (cited by Women's Health and Genetics/Laboratory Corporation of America, LabCorp and Quest Diagnostics Nichols Institute San Juan Capistrano); PubMed 17924331 (cited by 4 submitters); PubMed 12531920 (cited by Women's Health and Genetics/Laboratory Corporation of America, LabCorp and Quest Diagnostics Nichols Institute San Juan Capistrano); PubMed 15001988 (cited by Women's Health and Genetics/Laboratory Corporation of America, LabCorp); PubMed 22753008 (cited by Women's Health and Genetics/Laboratory Corporation of America, LabCorp and Quest Diagnostics Nichols Institute San Juan Capistrano); PubMed 16683254 (cited by 3 submitters); PubMed 11606101 (cited by 3 submitters); PubMed 25782689 (cited by Women's Health and Genetics/Laboratory Corporation of America, LabCorp); PubMed 29580235 (cited by Women's Health and Genetics/Laboratory Corporation of America, LabCorp); PubMed 26094954 (cited by Women's Health and Genetics/Laboratory Corporation of America, LabCorp); PubMed 30541756 (cited by Women's Health and Genetics/Laboratory Corporation of America, LabCorp); PubMed 33471991 (cited by Women's Health and Genetics/Laboratory Corporation of America, LabCorp and Sema4); PubMed 39096911 (cited by Women's Health and Genetics/Laboratory Corporation of America, LabCorp); PubMed 34045478 (cited by Women's Health and Genetics/Laboratory Corporation of America, LabCorp); PubMed 31209238 (cited by Women's Health and Genetics/Laboratory Corporation of America, LabCorp); PubMed 33881725 (cited by Women's Health and Genetics/Laboratory Corporation of America, LabCorp); DOI 10.3389/fgene.2022.834265 (cited by National Health Laboratory Service, Universitas Academic Hospital and University of the Free State).